The following is an entry in ClinVar:

ClinVar aggregate classification (germline): Uncertain significance (1 of 4 stars; one submission).

Allele frequency attached by ClinVar (database versions not stated): ESP Exome Variant Server 0.00008.
gnomAD v4.1: 7 of 1,603,658 alleles (0.00044%); highest among the groups gnomAD compares: Non-Finnish European, 0.00059%; no homozygotes.

Submission:

GeneDx
Classification: Uncertain significance. Last evaluated: 2022-01-07. Review status: criteria provided, single submitter. Criteria: GeneDx Variant Classification Process June 2021. Collection method: clinical testing. Allele origin: germline. Affected: yes.
Comment: Not observed at significant frequency in large population cohorts (gnomAD); In silico analysis supports that this missense variant has a deleterious effect on protein structure/function; Has not been previously published as pathogenic or benign to our knowledge

NM_001376.5(DYNC1H1):c.108G>T (p.Lys36Asn)

Gene: DYNC1H1 (dynein cytoplasmic 1 heavy chain 1; plus strand). Cytogenetic location: 14q32.31.
Variant type: single nucleotide variant.
Coding change: c.108G>T on transcript NM_001376.5 (MANE Select); coding-DNA position 108, G replaced by T.
Protein change: p.Lys36Asn; replaces lysine 36 with asparagine.
Molecular consequence: missense variant.
Genome position (GRCh38, 1-based): chr14:101,964,799, G>T. VCF-style: chr14-101964799-G-T. GRCh37 (hg19) VCF-style: chr14-102431136-G-T.
Other names: short protein forms K36N.
Identifiers: ClinVar variation 1695537 (VCV001695537.2), dbSNP rs369058949, ClinGen allele CA266961888.